The following is an entry in ClinVar:

NM_015910.7(WDPCP):c.1102C>T (p.Arg368Cys)

Gene: WDPCP (WD repeat containing planar cell polarity effector; minus strand). Cytogenetic location: 2p15.
Variant type: single nucleotide variant.
Coding change: c.1102C>T on transcript NM_015910.7 (MANE Select); coding-DNA position 1102, C replaced by T.
Protein change: p.Arg368Cys; replaces arginine 368 with cysteine.
Molecular consequence: missense variant. On other transcripts: non-coding transcript variant (3).
Genome position (GRCh38, 1-based): chr2:63,404,381, G>A on the plus strand (C>T on the coding strand, the complement: WDPCP is on the minus strand). VCF-style: chr2-63404381-G-A. GRCh37 (hg19) VCF-style: chr2-63631516-G-A.
Other names: c.625C>T, p.Arg209Cys (NM_001042692.3); c.1030C>T, p.Arg344Cys (NM_001354044.2); c.1102C>T, p.Arg368Cys (NM_001354045.2); short protein forms R368C, R209C, R344C.
Identifiers: ClinVar variation 437270 (VCV000437270.13), dbSNP rs769112221, ClinGen allele CA1682286.

ClinVar aggregate classification (germline): Uncertain significance. Review status: criteria provided, multiple submitters, no conflicts (2 of 4 stars). 5 submissions from 5 submitters: Uncertain significance (5). Last evaluated 2026-04-22.

Conditions:
WDPCP-related disorder. Also called: WDPCP-related condition.
Inborn genetic diseases. Identifiers: MedGen C0950123, MeSH D030342.
Bardet-Biedl syndrome (BBS). Identifiers: Orphanet 110, MedGen C0752166, MONDO:0015229.

Allele frequency attached by ClinVar (database versions not stated): gnomAD 0.00005 and 0.00006; TOPMed 0.00010.

Submissions (5):

PreventionGenetics, part of Exact Sciences
Classification: Uncertain significance for WDPCP-related condition. Last evaluated: 2026-04-22. Review status: criteria provided, single submitter. Criteria: ACMG Guidelines, 2015. Collection method: clinical testing. Allele origin: germline.
Comment: The WDPCP c.1102C>T variant is predicted to result in the amino acid substitution p.Arg368Cys. To our knowledge, this variant has not been reported in the literature. This variant is reported in 0.010% of alleles in individuals of East Asian descent in gnomAD. At this time, the clinical significance of this variant is uncertain due to the absence of conclusive functional and genetic evidence.

Labcorp Genetics (formerly Invitae), Labcorp
Classification: Uncertain significance for Bardet-Biedl syndrome. Last evaluated: 2024-12-02. Review status: criteria provided, single submitter. Criteria: Invitae Variant Classification Sherloc (09022015). Collection method: clinical testing. Allele origin: germline.
Comment: This sequence change replaces arginine, which is basic and polar, with cysteine, which is neutral and slightly polar, at codon 368 of the WDPCP protein (p.Arg368Cys). This variant is present in population databases (rs769112221, gnomAD 0.01%). This variant has not been reported in the literature in individuals affected with WDPCP-related conditions. ClinVar contains an entry for this variant (Variation ID: 437270). Invitae Evidence Modeling of protein sequence and biophysical properties (such as structural, functional, and spatial information, amino acid conservation, physicochemical variation, residue mobility, and thermodynamic stability) indicates that this missense variant is not expected to disrupt WDPCP protein function with a negative predictive value of 80%. In summary, the available evidence is currently insufficient to determine the role of this variant in disease. Therefore, it has been classified as a Variant of Uncertain Significance.

Blueprint Genetics
Classification: Uncertain significance. Last evaluated: 2024-10-30. Review status: criteria provided, single submitter. Criteria: ACMG Guidelines, 2015. Collection method: clinical testing. Allele origin: germline.

Ambry Genetics
Classification: Uncertain significance for Inborn genetic diseases. Last evaluated: 2021-07-06. Review status: criteria provided, single submitter. Criteria: Ambry Variant Classification Scheme 2023. Collection method: clinical testing. Allele origin: germline.

Genetic Services Laboratory, University of Chicago
Classification: Uncertain significance. Last evaluated: 2016-12-05. Review status: criteria provided, single submitter. Criteria: ACMG Guidelines, 2015. Collection method: clinical testing. Allele origin: germline. Affected: no.